The following is an entry in ClinVar:

ClinVar aggregate classification (germline): Likely pathogenic. Review status: criteria provided, multiple submitters, no conflicts (2 of 4 stars). 2 submissions from 2 submitters: Likely pathogenic (2). Last evaluated 2020-03-23.

Conditions:
Glutaric aciduria, type 1. Also called: GA I; Glutaric Acidemia Type 1; Glutaric acidemia type I; Glutaricacidemia Type 1; Glutaryl-CoA dehydrogenase deficiency; Glutaricaciduria, type I. Identifiers: Orphanet 25, MedGen C0268595, MONDO:0009281, OMIM 231670.

Submissions (2):

Labcorp Genetics (formerly Invitae), Labcorp
Classification: Likely pathogenic for Glutaric aciduria, type 1. Last evaluated: 2020-03-23. Review status: criteria provided, single submitter. Criteria: Invitae Variant Classification Sherloc (09022015). Collection method: clinical testing. Allele origin: germline.
Comment: In summary, the currently available evidence indicates that the variant is pathogenic, but additional data are needed to prove that conclusively. Therefore, this variant has been classified as Likely Pathogenic. This variant disrupts the p.Gly171 amino acid residue in GCDH. Other variant(s) that disrupt this residue have been observed in individuals with GCDH-related conditions (PMID: 29665094), which suggests that this may be a clinically significant amino acid residue. This sequence change replaces glycine with arginine at codon 171 of the GCDH protein (p.Gly171Arg). The glycine residue is highly conserved and there is a moderate physicochemical difference between glycine and arginine. This variant is not present in population databases (ExAC no frequency). Algorithms developed to predict the effect of missense changes on protein structure and function (SIFT, PolyPhen-2, Align-GVGD) all suggest that this variant is likely to be disruptive, but these predictions have not been confirmed by published functional studies and their clinical significance is uncertain.

Lifecell International Pvt. Ltd
Classification: Likely pathogenic for Glutaric aciduria, type 1. Review status: criteria provided, single submitter. Criteria: ACMG Guidelines, 2015. Collection method: clinical testing. Allele origin: germline. Inheritance: Autosomal recessive inheritance. Affected: yes. Observed: 1 homozygote.
Comment: A Homozygote Missense variant c.511G>C in Exon 7 of the GCDH gene that results in the amino acid substitution p.Gly171Arg was identified. The observed variant is novel in gnomAD exomes and genomes, respectively. The severity of the impact of this variant on the protein is high, based on the effect of the protein and REVEL score . Rare Exome Variant Ensemble Learner (REVEL) is an ensembl method for predicting the pathogenicity of missense variants based on a combination of scores from 13 individual tools: MutPred, FATHMM v2.3, VEST 3.0, PolyPhen-2, SIFT, PROVEAN, MutationAssessor, MutationTaster, LRT, GERP++, SiPhy, phyloP, and phastCons. The REVEL score for an individual missense variant can range from 0 to 1, with higher scores reflecting greater likelihood that the variant is disease-causing. ClinVar has also classified this variant as Likely Pathogenic (Variant ID: 1067740). Another variant, p.Gly171Trp, affecting the same codon as observed variant is reported Pathogenic in ClinVar (Variant ID: 1353095). Based on the above evidence this variant has been classified as Likely Pathogenic according to the ACMG guidelines.

Literature cited by the submitters: PubMed 29665094 (cited by Labcorp Genetics (formerly Invitae), Labcorp).

NM_000159.4(GCDH):c.511G>C (p.Gly171Arg)

Gene: GCDH (glutaryl-CoA dehydrogenase; plus strand). Cytogenetic location: 19p13.13.
Variant type: single nucleotide variant.
Coding change: c.511G>C on transcript NM_000159.4 (MANE Select); coding-DNA position 511, G replaced by C.
Protein change: p.Gly171Arg; replaces glycine 171 with arginine.
Molecular consequence: missense variant. On other transcripts: non-coding transcript variant (2).
Genome position (GRCh38, 1-based): chr19:12,895,997, G>C. VCF-style: chr19-12895997-G-C. GRCh37 (hg19) VCF-style: chr19-13006811-G-C.
Other names: c.511G>C, p.Gly171Arg (NM_013976.5); short protein forms G171R.
Identifiers: ClinVar variation 1067740 (VCV001067740.10), dbSNP rs2145950047, ClinGen allele CA404317913.